The following is an entry in ClinVar:

NM_001165963.4(SCN1A):c.1519A>T (p.Lys507Ter)

Gene: SCN1A (sodium voltage-gated channel alpha subunit 1; minus strand). Cytogenetic location: 2q24.3.
Variant type: single nucleotide variant.
Coding change: c.1519A>T on transcript NM_001165963.4 (MANE Select); coding-DNA position 1519, A replaced by T.
Protein change: p.Lys507Ter; replaces lysine 507 with a stop codon.
Molecular consequence: nonsense. On other transcripts: 5 prime UTR variant (1), non-coding transcript variant (1).
Genome position (GRCh38, 1-based): chr2:166,045,186, T>A on the plus strand (A>T on the coding strand, the complement: SCN1A is on the minus strand). VCF-style: chr2-166045186-T-A. GRCh37 (hg19) VCF-style: chr2-166901696-T-A.
Other names: c.1519A>T, p.Lys507Ter (NM_001165964.3, NM_001202435.3, NM_001353948.2 and 7 more transcripts); c.1516A>T, p.Lys506Ter (NM_001353954.2, NM_001353955.2, NM_001353960.2); c.-907A>T (NM_001353961.2); short protein forms K506*, K507*.
Identifiers: ClinVar variation 4840450 (VCV004840450.1).

ClinVar aggregate classification (germline): Pathogenic (1 of 4 stars; one submission).

Conditions:
Inborn genetic diseases. Identifiers: MedGen C0950123, MeSH D030342.

Submission:

Ambry Genetics
Classification: Pathogenic for Inborn genetic diseases. Last evaluated: 2026-03-03. Review status: criteria provided, single submitter. Criteria: Ambry Variant Classification Scheme 2023. Collection method: clinical testing. Allele origin: germline.
Comment: The c.1519A>T (p.K507*) alteration, located in exon 10 (coding exon 10) of the SCN1A gene, consists of a A to T substitution at nucleotide position 1519. This changes the amino acid from a lysine (K) to a stop codon at amino acid position 507. This variant is expected to result in loss of function by premature protein truncation or nonsense-mediated mRNA decay. for Dravet syndrome; however, its clinical significance for SCN1A-related generalized epilepsy with febrile seizures plus, SCN1A-related developmental and epileptic encephalopathy, and SCN1A-related hemiplegic migraine is uncertain. This variant was not reported in population-based cohorts in the Genome Aggregation Database (gnomAD). Based on the available evidence, this alteration is classified as pathogenic.